The following is an entry in ClinVar:

ClinVar aggregate classification (germline): Likely benign. Review status: criteria provided, single submitter (1 of 4 stars). 2 submissions from 2 submitters: Likely benign (1). 1 of the submissions does not count toward it. Last evaluated 2024-10-08.

Conditions:
ZNF526-related disorder. Also called: ZNF526-related condition.

Allele frequency attached by ClinVar (database versions not stated): ExAC 0.00002; gnomAD 0.00003.

Submissions (2):

Blueprint Genetics
Classification: Likely benign. Last evaluated: 2024-10-08. Review status: criteria provided, single submitter. Criteria: ACMG Guidelines, 2015. Collection method: clinical testing. Allele origin: germline.

PreventionGenetics, part of Exact Sciences
Classification: Likely benign for ZNF526-related condition. Last evaluated: 2019-04-15. Review status: no assertion criteria provided. Collection method: clinical testing. Allele origin: germline. Not counted in ClinVar's aggregate classification.
Comment: This variant is classified as likely benign based on ACMG/AMP sequence variant interpretation guidelines (Richards et al. 2015 PMID: 25741868, with internal and published modifications).

NM_133444.3(ZNF526):c.1524C>A (p.Thr508=)

Gene: ZNF526 (zinc finger protein 526; plus strand). Cytogenetic location: 19q13.2.
Variant type: single nucleotide variant.
Coding change: c.1524C>A on transcript NM_133444.3 (MANE Select); coding-DNA position 1524, C replaced by A.
Protein change: p.Thr508=; no amino-acid change (threonine 508 retained).
Molecular consequence: synonymous variant.
Genome position (GRCh38, 1-based): chr19:42,225,927, C>A. VCF-style: chr19-42225927-C-A. GRCh37 (hg19) VCF-style: chr19-42730079-C-A.
Other names: c.1524C>A, p.Thr508= (NM_001314033.3).
Identifiers: ClinVar variation 3050492 (VCV003050492.3), dbSNP rs370533115, ClinGen allele CA9470594.